The following is an entry in ClinVar:

NM_000540.3(RYR1):c.6207A>G (p.Lys2069=)

Gene: RYR1 (ryanodine receptor 1; plus strand). Cytogenetic location: 19q13.2.
Variant type: single nucleotide variant.
Coding change: c.6207A>G on transcript NM_000540.3 (MANE Select); coding-DNA position 6207, A replaced by G.
Protein change: p.Lys2069=; no amino-acid change (lysine 2069 retained).
Molecular consequence: synonymous variant.
Genome position (GRCh38, 1-based): chr19:38,492,569, A>G. VCF-style: chr19-38492569-A-G. GRCh37 (hg19) VCF-style: chr19-38983209-A-G.
Other names: c.6207A>G, p.Lys2069= (NM_001042723.2).
Identifiers: ClinVar variation 544393 (VCV000544393.18), dbSNP rs920135778, ClinGen allele CA308100682.

ClinVar aggregate classification (germline): Conflicting classifications of pathogenicity. Review status: criteria provided, conflicting classifications (1 of 4 stars). 7 submissions from 7 submitters: Uncertain significance (1); Likely benign (6). Last evaluated 2026-06-01.

Conditions:
Malignant hyperthermia, susceptibility to, 1 (MHS1). Also called: RYR1-Related Malignant Hyperthermia Susceptibility; Anesthesia related hyperthermia; Malignant hyperpyrexia; Fulminating hyperpyrexia; Pharmacogenic myopathy; Malignant hyperthermia suceptibility 1. Identifiers: Orphanet 423, MedGen C2930980, MONDO:0007783, OMIM 145600.
Inborn genetic diseases. Identifiers: MedGen C0950123, MeSH D030342.
RYR1-related disorder. Also called: RYR1-related disorders; RYR1-related condition. Identifiers: MedGen CN239331.

Allele frequency attached by ClinVar (database versions not stated): gnomAD 0.00002; gnomAD exomes 0.00003; TOPMed 0.00003.
gnomAD v4.1: 49 of 1,607,428 alleles (0.003%); highest among the groups gnomAD compares: Admixed American, 0.022%; no homozygotes.

Submissions (7):

CeGaT Center for Human Genetics Tuebingen
Classification: Likely benign. Last evaluated: 2026-06-01. Review status: criteria provided, single submitter. Criteria: CeGaT Center For Human Genetics Tuebingen Variant Classification Criteria Version 2. Collection method: clinical testing. Allele origin: germline. Affected: yes. Observed: 1 variant allele.
Comment: RYR1: BP4, BP7

Labcorp Genetics (formerly Invitae), Labcorp
Classification: Likely benign for RYR1-related disorder. Last evaluated: 2025-12-23. Review status: criteria provided, single submitter. Criteria: Invitae Variant Classification Sherloc (09022015). Collection method: clinical testing. Allele origin: germline.

Ambry Genetics
Classification: Likely benign for Inborn genetic diseases. Last evaluated: 2025-08-08. Review status: criteria provided, single submitter. Criteria: Ambry Variant Classification Scheme 2023. Collection method: clinical testing. Allele origin: germline.

All of Us Research Program, National Institutes of Health
Classification: Likely benign for Malignant hyperthermia, susceptibility to, 1. Last evaluated: 2024-07-10. Review status: criteria provided, single submitter. Criteria: ACMG Guidelines, 2015. Collection method: clinical testing. Allele origin: germline. Inheritance: Autosomal dominant inheritance. Observed: 8 variant alleles, 8 heterozygotes.
Comment: This study involves interpretation of variants in research participants for the purpose of population health screening. Participant phenotype was not available at the time of variant classification. Additional details can be found in publication PMID: 35346344, PMCID: PMC8962531

Color Diagnostics, LLC DBA Color Health
Classification: Likely benign for Malignant hyperthermia, susceptibility to, 1. Last evaluated: 2022-11-08. Review status: criteria provided, single submitter. Criteria: ACMG Guidelines, 2015. Collection method: clinical testing. Allele origin: germline.

Genetic Services Laboratory, University of Chicago
Classification: Likely benign. Last evaluated: 2017-07-03. Review status: criteria provided, single submitter. Criteria: ACMG Guidelines, 2015. Collection method: clinical testing. Allele origin: germline. Affected: no.

PreventionGenetics, part of Exact Sciences
Classification: Uncertain significance. Last evaluated: 2016-12-29. Review status: criteria provided, single submitter. Criteria: ACMG Guidelines, 2015. Collection method: clinical testing. Allele origin: germline.